The following is an entry in ClinVar:

NM_006031.6(PCNT):c.7688del (p.Gln2563fs)

Gene: PCNT (pericentrin; plus strand). Cytogenetic location: 21q22.3.
Variant type: Deletion.
Coding change: c.7688del on transcript NM_006031.6 (MANE Select); coding-DNA position 7688, one base deleted (A; older notation c.7688delA).
Protein change: p.Gln2563fs; shifts the reading frame from glutamine 2563.
Molecular consequence: frameshift variant.
Genome position (GRCh38, 1-based): chr21:46,428,588, A deleted. VCF-style (leftmost placement, unchanged base first): chr21-46428587-CA-C. GRCh37 (hg19) VCF-style: chr21-47848501-CA-C.
Other names: c.7334del, p.Gln2445fs (NM_001315529.2); short protein forms Q2563fs, Q2445fs.
Identifiers: ClinVar variation 2768879 (VCV002768879.3), dbSNP rs2518972048, ClinGen allele CA2697547606.

ClinVar aggregate classification (germline): Pathogenic (1 of 4 stars; one submission).

Submission:

Labcorp Genetics (formerly Invitae), Labcorp
Classification: Pathogenic. Last evaluated: 2023-10-15. Review status: criteria provided, single submitter. Criteria: Invitae Variant Classification Sherloc (09022015). Collection method: clinical testing. Allele origin: germline.
Comment: This sequence change creates a premature translational stop signal (p.Gln2563Argfs*9) in the PCNT gene. It is expected to result in an absent or disrupted protein product. Loss-of-function variants in PCNT are known to be pathogenic (PMID: 18174396, 22821869). This variant is not present in population databases (gnomAD no frequency). This variant has not been reported in the literature in individuals affected with PCNT-related conditions. For these reasons, this variant has been classified as Pathogenic.

Literature cited by the submitters: PubMed 18174396; PubMed 22821869.